The following is an entry in ClinVar:

ClinVar aggregate classification (germline): Likely benign. Review status: criteria provided, multiple submitters, no conflicts (2 of 4 stars). 3 submissions from 3 submitters: Likely benign (3). Last evaluated 2026-06-18.

Conditions:
Retinoblastoma (RB1). Also called: RETINOBLASTOMA, SOMATIC. Identifiers: Orphanet 790, MedGen C0035335, MeSH D012175, MONDO:0008380, OMIM 180200, HP:0009919. Disease mechanism: loss of function. Inheritance: Both sporadic and heritable forms are tested..

Allele frequency attached by ClinVar (database versions not stated): gnomAD exomes below 0.00001.
gnomAD v4.1: 5 of 1,597,724 alleles (0.00031%); highest among the groups gnomAD compares: Non-Finnish European, 0.00034%; no homozygotes.

Submissions (3):

Myriad Genetics, Inc.
Classification: Likely benign for Retinoblastoma. Last evaluated: 2026-06-18. Review status: criteria provided, single submitter. Criteria: Myriad Autosomal Dominant, Autosomal Recessive and X-Linked Classification Criteria (2023). Collection method: clinical testing. Allele origin: unknown.
Comment: This variant is considered likely benign. This variant is intronic and is not expected to impact mRNA splicing.

Labcorp Genetics (formerly Invitae), Labcorp
Classification: Likely benign for Retinoblastoma. Last evaluated: 2025-10-07. Review status: criteria provided, single submitter. Criteria: Invitae Variant Classification Sherloc (09022015). Collection method: clinical testing. Allele origin: germline.

Blueprint Genetics
Classification: Likely benign. Last evaluated: 2024-11-05. Review status: criteria provided, single submitter. Criteria: ACMG Guidelines, 2015. Collection method: clinical testing. Allele origin: germline.

NM_000321.3(RB1):c.940-17G>A

Gene: RB1 (RB transcriptional corepressor 1; plus strand). Cytogenetic location: 13q14.2.
Variant type: single nucleotide variant.
Coding change: c.940-17G>A on transcript NM_000321.3 (MANE Select); 17 bases into the intron before coding-DNA position 940, G replaced by A.
Molecular consequence: intron variant.
Genome position (GRCh38, 1-based): chr13:48,367,477, G>A. VCF-style: chr13-48367477-G-A. GRCh37 (hg19) VCF-style: chr13-48941613-G-A.
Identifiers: ClinVar variation 1625253 (VCV001625253.10), dbSNP rs2138120867, ClinGen allele CA2573149578.